The following is an entry in ClinVar:

ClinVar aggregate classification (germline): Uncertain significance. Review status: criteria provided, multiple submitters, no conflicts (2 of 4 stars). 6 submissions from 6 submitters: Uncertain significance (5). 1 of the submissions does not count toward it. Last evaluated 2026-01-18.

Conditions:
Catecholaminergic polymorphic ventricular tachycardia (CVPT). Also called: Catecholamine-induced polymorphic ventricular tachycardia. Identifiers: Orphanet 3286, MedGen C5574922, MONDO:0017990.
Cardiomyopathy (CMYO). Also called: Cardiomyopathies. Identifiers: Orphanet 167848, MedGen C0878544, MONDO:0004994, HP:0001638. Inheritance: Various modes of inheritance.
RYR2-related disorder. Also called: RYR2-related condition.
Catecholaminergic polymorphic ventricular tachycardia 1. Also called: RYR2-Related Catecholaminergic Polymorphic Ventricular Tachycardia; VENTRICULAR TACHYCARDIA, CATECHOLAMINERGIC POLYMORPHIC, 1, WITH OR WITHOUT ATRIAL DYSFUNCTION AND/OR DILATED CARDIOMYOPATHY; VENTRICULAR TACHYCARDIA, STRESS-INDUCED POLYMORPHIC 1. Identifiers: Orphanet 3286, MedGen C1631597, MONDO:0011484, OMIM 604772.
Cardiovascular phenotype. Identifiers: MedGen CN230736.

Allele frequency attached by ClinVar (database versions not stated): gnomAD exomes 0.00001; TOPMed 0.00001.
gnomAD v4.1: 18 of 1,613,996 alleles (0.0011%); highest among the groups gnomAD compares: Non-Finnish European, 0.0014%; no homozygotes.

Submissions (6):

Labcorp Genetics (formerly Invitae), Labcorp
Classification: Uncertain significance for Catecholaminergic polymorphic ventricular tachycardia 1. Last evaluated: 2026-01-18. Review status: criteria provided, single submitter. Criteria: Invitae Variant Classification Sherloc (09022015). Collection method: clinical testing. Allele origin: germline.
Comment: This sequence change replaces methionine, which is neutral and non-polar, with valine, which is neutral and non-polar, at codon 4139 of the RYR2 protein (p.Met4139Val). This variant is not present in population databases (gnomAD no frequency). This missense change has been observed in individual(s) with clinical features of RYR2-related conditions (PMID: 24631775, 32152366). ClinVar contains an entry for this variant (Variation ID: 565988). Invitae Evidence Modeling of protein sequence and biophysical properties (such as structural, functional, and spatial information, amino acid conservation, physicochemical variation, residue mobility, and thermodynamic stability) indicates that this missense variant is expected to disrupt RYR2 protein function with a positive predictive value of 95%. In summary, the available evidence is currently insufficient to determine the role of this variant in disease. Therefore, it has been classified as a Variant of Uncertain Significance.

Ambry Genetics
Classification: Uncertain significance for Cardiovascular phenotype. Last evaluated: 2025-10-03. Review status: criteria provided, single submitter. Criteria: Ambry Variant Classification Scheme 2023. Collection method: clinical testing. Allele origin: germline.
Comment: The p.M4139V variant (also known as c.12415A>G), located in coding exon 90 of the RYR2 gene, results from an A to G substitution at nucleotide position 12415. The methionine at codon 4139 is replaced by valine, an amino acid with highly similar properties. This alteration has been reported in a sudden unexplained death cohort (Wang D et al. Forensic Sci Int, 2014 Apr;237:90-9). This amino acid position is highly conserved in available vertebrate species. In addition, this alteration is predicted to be deleterious by in silico analysis. Based on the available evidence, the clinical significance of this variant remains unclear.

All of Us Research Program, National Institutes of Health
Classification: Uncertain significance for Catecholaminergic polymorphic ventricular tachycardia. Last evaluated: 2023-09-04. Review status: criteria provided, single submitter. Criteria: ACMG Guidelines, 2015. Collection method: clinical testing. Allele origin: germline. Inheritance: Autosomal dominant inheritance. Observed: 4 variant alleles, 4 heterozygotes.
Comment: This missense variant replaces methionine with valine at codon 4139 of the RYR2 protein. Computational prediction suggests that this variant may have deleterious impact on protein structure and function (internally defined REVEL score threshold >= 0.7, PMID: 27666373). To our knowledge, functional studies have not been reported for this variant. This variant has been reported in an individual affected with sudden death (PMID:24631775). This variant has not been identified in the general population by the Genome Aggregation Database (gnomAD). The available evidence is insufficient to determine the role of this variant in disease conclusively. Therefore, this variant is classified as a Variant of Uncertain Significance.

This study involves interpretation of variants in research participants for the purpose of population health screening. Participant phenotype was not available at the time of variant classification. Additional details can be found in publication PMID: 35346344, PMCID: PMC8962531

Color Diagnostics, LLC DBA Color Health
Classification: Uncertain significance for Cardiomyopathy. Last evaluated: 2023-08-16. Review status: criteria provided, single submitter. Criteria: ACMG Guidelines, 2015. Collection method: clinical testing. Allele origin: germline.
Comment: This missense variant replaces methionine with valine at codon 4139 of the RYR2 protein. Computational prediction suggests that this variant may have deleterious impact on protein structure and function (internally defined REVEL score threshold >= 0.7, PMID: 27666373). To our knowledge, functional studies have not been reported for this variant. This variant has been reported in an individual affected with sudden death (PMID:24631775). This variant has not been identified in the general population by the Genome Aggregation Database (gnomAD). The available evidence is insufficient to determine the role of this variant in disease conclusively. Therefore, this variant is classified as a Variant of Uncertain Significance.

GeneDx
Classification: Uncertain significance. Last evaluated: 2022-12-29. Review status: criteria provided, single submitter. Criteria: GeneDx Variant Classification Process June 2021. Collection method: clinical testing. Allele origin: germline. Affected: yes.
Comment: Identified in a patient with sudden unexplained death in published literature (Wang et al., 2014); Not observed at significant frequency in large population cohorts (gnomAD); In silico analysis supports that this missense variant has a deleterious effect on protein structure/function; Located in one of the three hot-spot regions of the RYR2 gene, where the majority of pathogenic missense variants occur (Medeiros-Domingo et al., 2009); This variant is associated with the following publications: (PMID: 29247119, 19926015, Olubando2020, 24631775)

PreventionGenetics, part of Exact Sciences
Classification: Uncertain significance for RYR2-related condition. Last evaluated: 2024-02-26. Review status: no assertion criteria provided. Collection method: clinical testing. Allele origin: germline. Not counted in ClinVar's aggregate classification.
Comment: The RYR2 c.12415A>G variant is predicted to result in the amino acid substitution p.Met4139Val. This variant was reported in an individual with Sudden unexplained death (Wang et al 2014. PubMed ID: 24631775). This variant is reported in 0.0014% of alleles in individuals of Non-Finnish European descent in gnomAD v4. This variant is located in one of the four hotspots were pathogenic variants occur (Sleiman et al. 2022. PubMedID: 36450727; Xiao et al. 2016. PubMedID: 27733687). At this time, the clinical significance of this variant is uncertain due to the absence of conclusive functional and genetic evidence.

Literature cited by the submitters: PubMed 24631775 (cited by 4 submitters); PubMed 32152366 (cited by Labcorp Genetics (formerly Invitae), Labcorp and Ambry Genetics).

NM_001035.3(RYR2):c.12415A>G (p.Met4139Val)

Genes: RYR2 (ryanodine receptor 2; plus strand), LOC126806068 (BRD4-independent group 4 enhancer GRCh37_chr1:237947411-237948610; plus strand). Cytogenetic location: 1q43.
Variant type: single nucleotide variant.
Coding change: c.12415A>G on transcript NM_001035.3 (MANE Select); coding-DNA position 12415, A replaced by G.
Protein change: p.Met4139Val; replaces methionine 4139 with valine.
Molecular consequence: missense variant.
Genome position (GRCh38, 1-based): chr1:237,784,127, A>G. VCF-style: chr1-237784127-A-G. GRCh37 (hg19) VCF-style: chr1-237947427-A-G.
Other names: c.12415A>G, p.Met4139Val (LRG_402t1); short protein forms M4139V.
Identifiers: ClinVar variation 565988 (VCV000565988.21), dbSNP rs1199657338, ClinGen allele CA345413174.